The following is an entry in ClinVar:

ClinVar aggregate classification (germline): Conflicting classifications of pathogenicity. Review status: criteria provided, conflicting classifications (1 of 4 stars). 2 submissions from 2 submitters: Pathogenic (1); Uncertain significance (1). Last evaluated 2026-01-16.

Conditions:
Glutathione synthetase deficiency with 5-oxoprolinuria. Also called: PYROGLUTAMIC ACIDURIA; 5-Oxoprolinuria; Gluthathione synthetase deficiency; 5-OXOPROLINURIA DUE TO GLUTATHIONE SYNTHETASE DEFICIENCY; Reduced glutathione synthetase level. Identifiers: Orphanet 289846, MedGen C0398746, MONDO:0009947, OMIM 266130, HP:0003343.

Submissions (2):

Women's Health and Genetics/Laboratory Corporation of America, LabCorp
Classification: Pathogenic for Glutathione synthetase deficiency with 5-oxoprolinuria. Last evaluated: 2026-01-16. Review status: criteria provided, single submitter. Criteria: LabCorp Variant Classification Summary - May 2015. Collection method: clinical testing. Allele origin: germline.
Comment: Variant summary: GSS c.563T>C (p.Leu188Pro) results in a non-conservative amino acid change in the encoded protein sequence. Algorithms developed to predict the effect of missense changes on protein structure and function all suggest that this variant is likely to be disruptive. The variant was absent in 251456 control chromosomes (gnomAD). c.563T>C has been observed in individuals affected with Glutathione Synthetase Deficiency (e.g. Dahl_1997). These data indicate that the variant is likely to be associated with disease. At least one publication reports experimental evidence evaluating an impact on protein function. The most pronounced variant effect results in <10% of normal activity (Njalsson_2004). The following publications have been ascertained in the context of this evaluation (PMID: 9215686, 15717202). No submitters have cited clinical-significance assessments for this variant to ClinVar. Based on the evidence outlined above, the variant was classified as pathogenic.

Labcorp Genetics (formerly Invitae), Labcorp
Classification: Uncertain significance for Glutathione synthetase deficiency with 5-oxoprolinuria. Last evaluated: 2025-03-20. Review status: criteria provided, single submitter. Criteria: Invitae Variant Classification Sherloc (09022015). Collection method: clinical testing. Allele origin: germline.
Comment: This sequence change replaces leucine, which is neutral and non-polar, with proline, which is neutral and non-polar, at codon 188 of the GSS protein (p.Leu188Pro). This variant is not present in population databases (gnomAD no frequency). This missense change has been observed in individual(s) with glutathione synthetase deficiency (PMID: 9215686). Invitae Evidence Modeling of protein sequence and biophysical properties (such as structural, functional, and spatial information, amino acid conservation, physicochemical variation, residue mobility, and thermodynamic stability) indicates that this missense variant is expected to disrupt GSS protein function with a positive predictive value of 80%. Experimental studies have shown that this missense change affects GSS function (PMID: 15056072). In summary, the available evidence is currently insufficient to determine the role of this variant in disease. Therefore, it has been classified as a Variant of Uncertain Significance.

Literature cited by the submitters: PubMed 15717202 (cited by Women's Health and Genetics/Laboratory Corporation of America, LabCorp); PubMed 9215686 (cited by Women's Health and Genetics/Laboratory Corporation of America, LabCorp and Labcorp Genetics (formerly Invitae), Labcorp); PubMed 15056072 (cited by Labcorp Genetics (formerly Invitae), Labcorp).

NM_000178.4(GSS):c.563T>C (p.Leu188Pro)

Gene: GSS (glutathione synthetase; minus strand). Cytogenetic location: 20q11.22.
Variant type: single nucleotide variant.
Coding change: c.563T>C on transcript NM_000178.4 (MANE Select); coding-DNA position 563, T replaced by C.
Protein change: p.Leu188Pro; replaces leucine 188 with proline.
Molecular consequence: missense variant.
Genome position (GRCh38, 1-based): chr20:34,941,758, A>G on the plus strand (T>C on the coding strand, the complement: GSS is on the minus strand). VCF-style: chr20-34941758-A-G. GRCh37 (hg19) VCF-style: chr20-33529561-A-G.
Other names: c.563T>C, p.Leu188Pro (NM_001322494.1, NM_001322495.1); short protein forms L188P.
Identifiers: ClinVar variation 4689317 (VCV004689317.2).